The following is an entry in ClinVar:

ClinVar aggregate classification (germline): Benign/Likely benign. Review status: criteria provided, multiple submitters, no conflicts (2 of 4 stars). 7 submissions from 7 submitters: Benign (1); Likely benign (5). 1 of the submissions does not count toward it. Last evaluated 2026-01-15.

Conditions:
Developmental and epileptic encephalopathy, 9 (DEE9). Also called: Early infantile epileptic encephalopathy 9; EPILEPSY, FEMALE-RESTRICTED, WITH MENTAL RETARDATION; JUBERG-HELLMAN SYNDROME; PCDH19-Related X-Linked Female-Limited Epilepsy with Mental Retardation. Identifiers: Orphanet 101039, Orphanet 2076, MedGen C1848137, MONDO:0010246, OMIM 300088. Disease mechanism: loss of function.
PCDH19-related disorder. Also called: PCDH19-related condition.
Inborn genetic diseases. Identifiers: MedGen C0950123, MeSH D030342.

Allele frequency attached by ClinVar (database versions not stated): gnomAD exomes 0.00004 and 0.00010; ExAC 0.00014; gnomAD 0.00015 and 0.00018; ESP Exome Variant Server 0.00019; TOPMed 0.00019.
gnomAD v4.1: 149 of 1,209,602 alleles (0.012%); highest among the groups gnomAD compares: East Asian, 0.059%; 1 homozygote.

Submissions (7):

Labcorp Genetics (formerly Invitae), Labcorp
Classification: Likely benign for Developmental and epileptic encephalopathy, 9. Last evaluated: 2026-01-15. Review status: criteria provided, single submitter. Criteria: Invitae Variant Classification Sherloc (09022015). Collection method: clinical testing. Allele origin: germline.

Blueprint Genetics
Classification: Likely benign. Last evaluated: 2024-11-25. Review status: criteria provided, single submitter. Criteria: ACMG Guidelines, 2015. Collection method: clinical testing. Allele origin: germline.

Fulgent Genetics
Classification: Likely benign for Developmental and epileptic encephalopathy, 9. Last evaluated: 2022-03-21. Review status: criteria provided, single submitter. Criteria: ACMG Guidelines, 2015. Collection method: clinical testing. Allele origin: unknown.

Ambry Genetics
Classification: Likely benign for Inborn genetic diseases. Last evaluated: 2016-03-24. Review status: criteria provided, single submitter. Criteria: Ambry Variant Classification Scheme 2023. Collection method: clinical testing. Allele origin: germline.

Eurofins Ntd Llc (ga)
Classification: Likely benign. Last evaluated: 2016-01-12. Review status: criteria provided, single submitter. Criteria: EGL Classification Definitions 2015. Collection method: clinical testing. Allele origin: germline. Observed: 1 variant allele, 1 heterozygote.

GeneDx
Classification: Benign. Last evaluated: 2013-08-02. Review status: criteria provided, single submitter. Criteria: GeneDx Variant Classification (06012015). Collection method: clinical testing. Allele origin: germline. Affected: yes.
Comment: This variant is considered likely benign or benign based on one or more of the following criteria: it is a conservative change, it occurs at a poorly conserved position in the protein, it is predicted to be benign by multiple in silico algorithms, and/or has population frequency not consistent with disease.

PreventionGenetics, part of Exact Sciences
Classification: Likely benign for PCDH19-related condition. Last evaluated: 2019-03-11. Review status: no assertion criteria provided. Collection method: clinical testing. Allele origin: germline. Not counted in ClinVar's aggregate classification.
Comment: This variant is classified as likely benign based on ACMG/AMP sequence variant interpretation guidelines (Richards et al. 2015 PMID: 25741868, with internal and published modifications).

NM_001184880.2(PCDH19):c.655C>T (p.Leu219=)

Gene: PCDH19 (protocadherin 19; minus strand). Cytogenetic location: Xq22.1.
Variant type: single nucleotide variant.
Coding change: c.655C>T on transcript NM_001184880.2 (MANE Select); coding-DNA position 655, C replaced by T.
Protein change: p.Leu219=; no amino-acid change (leucine 219 retained).
Molecular consequence: synonymous variant.
Genome position (GRCh38, 1-based): chrX:100,407,943, G>A on the plus strand (C>T on the coding strand, the complement: PCDH19 is on the minus strand). VCF-style: chrX-100407943-G-A. GRCh37 (hg19) VCF-style: chrX-99662941-G-A.
Other names: p.L219L:CTG>TTG; c.655C>T, p.Leu219= (NM_001105243.2, NM_020766.3).
Identifiers: ClinVar variation 93678 (VCV000093678.24), dbSNP rs377627937, ClinGen allele CA285470.